The following is an entry in ClinVar:

NM_001365999.1(SZT2):c.9409_9411del (p.Asn3137del)

Gene: SZT2 (SZT2 subunit of KICSTOR complex; plus strand). Cytogenetic location: 1p34.2.
Variant type: Deletion.
Coding change: c.9409_9411del on transcript NM_001365999.1 (MANE Select); coding-DNA positions 9409 to 9411, 3 bases deleted (AAC; older notation c.9409_9411delAAC).
Protein change: p.Asn3137del; deletes asparagine 3137.
Molecular consequence: inframe deletion.
Genome position (GRCh38, 1-based): chr1:43,447,667-43,447,669, AAC deleted; deleting any 3 consecutive bases within chr1:43,447,665-43,447,669 gives the same sequence; the c. name uses the placement nearest the transcript's 3' end. VCF-style (leftmost placement, unchanged base first): chr1-43447664-CACA-C. GRCh37 (hg19) VCF-style: chr1-43913335-CACA-C.
Other names: c.9238_9240del, p.Asn3080del (NM_015284.4); c.9238_9240delAAC (NM_015284.3); short protein forms N3080del, N3137del.
Identifiers: ClinVar variation 972390 (VCV000972390.11), dbSNP rs1655841167, ClinGen allele CA645536596.

ClinVar aggregate classification (germline): Uncertain significance. Review status: criteria provided, multiple submitters, no conflicts (2 of 4 stars). 4 submissions from 4 submitters: Uncertain significance (4). Last evaluated 2023-11-09.

Conditions:
Developmental and epileptic encephalopathy, 18 (DEE18). Also called: Early infantile epileptic encephalopathy 18. Identifiers: Orphanet 369894, MedGen C3809624, MONDO:0014201, OMIM 615476.
Inborn genetic diseases. Identifiers: MedGen C0950123, MeSH D030342.

Submissions (4):

Blueprint Genetics
Classification: Uncertain significance. Last evaluated: 2023-11-09. Review status: criteria provided, single submitter. Criteria: ACMG Guidelines, 2015. Collection method: clinical testing. Allele origin: germline.

Genome-Nilou Lab
Classification: Uncertain significance for Developmental and epileptic encephalopathy, 18. Last evaluated: 2023-04-11. Review status: criteria provided, single submitter. Criteria: ACMG Guidelines, 2015. Collection method: clinical testing. Allele origin: germline. Affected: no.

Labcorp Genetics (formerly Invitae), Labcorp
Classification: Uncertain significance. Last evaluated: 2020-11-15. Review status: criteria provided, single submitter. Criteria: Invitae Variant Classification Sherloc (09022015). Collection method: clinical testing. Allele origin: germline.
Comment: This variant, c.9238_9240del, results in the deletion of 1 amino acid(s) of the SZT2 protein (p.Asn3080del), but otherwise preserves the integrity of the reading frame. This variant is not present in population databases (ExAC no frequency). This variant has not been reported in the literature in individuals with SZT2-related conditions. Experimental studies and prediction algorithms are not available or were not evaluated for this variant, and the functional significance of this variant is currently unknown. In summary, the available evidence is currently insufficient to determine the role of this variant in disease. Therefore, it has been classified as a Variant of Uncertain Significance.

Ambry Genetics
Classification: Uncertain significance for Inborn genetic diseases. Last evaluated: 2017-08-25. Review status: criteria provided, single submitter. Criteria: Ambry Variant Classification Scheme 2023. Collection method: clinical testing. Allele origin: germline.
Comment: The c.9238_9240delAAC variant (also known as p.N3080del) is located in coding exon 66 of the SZT2 gene. This variant results from an in-frame AAC deletion at nucleotide positions 9238 to 9240. This results in the in-frame deletion of an asparagine at codon 3080. This amino acid position is well conserved in available vertebrate species. Since supporting evidence is limited at this time, the clinical significance of this alteration remains unclear.